The following is an entry in ClinVar:

NM_182641.4(BPTF):c.5303+5G>C

Gene: BPTF (bromodomain PHD finger transcription factor; plus strand). Cytogenetic location: 17q24.2.
Variant type: single nucleotide variant.
Coding change: c.5303+5G>C on transcript NM_182641.4 (MANE Select); 5 bases into the intron after coding-DNA position 5303, G replaced by C.
Molecular consequence: intron variant.
Genome position (GRCh38, 1-based): chr17:67,913,192, G>C. VCF-style: chr17-67913192-G-C. GRCh37 (hg19) VCF-style: chr17-65909308-G-C.
Other names: c.5681+5G>C (NM_001439140.1, NM_004459.7, NM_001439142.1); c.5492+5G>C (NM_001439141.1, NM_001439139.1, NM_001439144.1 and 1 more transcripts).
Identifiers: ClinVar variation 4292978 (VCV004292978.1).

ClinVar aggregate classification (germline): Uncertain significance (1 of 4 stars; one submission).

Conditions:
Neurodevelopmental disorder with dysmorphic facies and distal limb anomalies. Identifiers: Orphanet 686482, MedGen C4540327, MONDO:0060596, OMIM 617755.

Submission:

3billion
Classification: Uncertain significance for Neurodevelopmental disorder with dysmorphic facies and distal limb anomalies. Last evaluated: 2025-03-04. Review status: criteria provided, single submitter. Criteria: ACMG Guidelines, 2015. Collection method: clinical testing. Allele origin: germline. Affected: yes.
Comment: The variant is not observed in the gnomAD v4.1.0 dataset. Predicted Consequence/Location: Intron variant In silico tools predict the variant to alter splicing and produce an abnormal transcript [SpliceAI: 0.40 (>=0.2, moderate evidence for spliceogenicity)]. Therefore, this variant is classified as VUS according to the recommendation of ACMG/AMP guideline.